The following is an entry in ClinVar:

NM_004260.4(RECQL4):c.1537C>T (p.Gln513Ter)

Gene: RECQL4 (RecQ like helicase 4; minus strand). Cytogenetic location: 8q24.3.
Variant type: single nucleotide variant.
Coding change: c.1537C>T on transcript NM_004260.4 (MANE Select); coding-DNA position 1537, C replaced by T.
Protein change: p.Gln513Ter; replaces glutamine 513 with a stop codon.
Molecular consequence: nonsense. On other transcripts: non-coding transcript variant (3).
Genome position (GRCh38, 1-based): chr8:144,515,019, G>A on the plus strand (C>T on the coding strand, the complement: RECQL4 is on the minus strand). VCF-style: chr8-144515019-G-A. GRCh37 (hg19) VCF-style: chr8-145740403-G-A.
Other names: c.400C>T, p.Gln134Ter (NM_001413027.1, NM_001413030.1, NM_001413031.1 and 2 more transcripts); c.466C>T, p.Gln156Ter (NM_001413028.1, NM_001413034.1, NM_001413035.1 and 7 more transcripts); c.1186C>T, p.Gln396Ter (NM_001413029.1); c.1537C>T, p.Gln513Ter (NM_001413033.1, NM_001413036.1, NM_001413018.1 and 1 more transcripts); c.1441C>T, p.Gln481Ter (NM_001413017.1, NM_001413020.1); c.1408C>T, p.Gln470Ter (NM_001413025.1); c.1507C>T, p.Gln503Ter (NM_001413039.1); c.436C>T, p.Gln146Ter (NM_001413042.1); and 1 more; short protein forms Q134*, Q146*, Q156*, Q24*, Q396*, Q470*, Q481*, Q503*.
Identifiers: ClinVar variation 3611603 (VCV003611603.2).

ClinVar aggregate classification (germline): Pathogenic (1 of 4 stars; one submission).

Conditions:
Baller-Gerold syndrome (BGS). Also called: CRANIOSYNOSTOSIS WITH RADIAL DEFECTS. Identifiers: Orphanet 1225, MedGen C0265308, MONDO:0009039, OMIM 218600.

Submission:

Labcorp Genetics (formerly Invitae), Labcorp
Classification: Pathogenic for Baller-Gerold syndrome. Last evaluated: 2024-04-09. Review status: criteria provided, single submitter. Criteria: Invitae Variant Classification Sherloc (09022015). Collection method: clinical testing. Allele origin: germline.
Comment: This sequence change creates a premature translational stop signal (p.Gln513*) in the RECQL4 gene. It is expected to result in an absent or disrupted protein product. Loss-of-function variants in RECQL4 are known to be pathogenic (PMID: 12734318, 12952869). This variant is not present in population databases (gnomAD no frequency). This variant has not been reported in the literature in individuals affected with RECQL4-related conditions. Algorithms developed to predict the effect of sequence changes on RNA splicing suggest that this variant may disrupt the consensus splice site. For these reasons, this variant has been classified as Pathogenic.

Literature cited by the submitters: PubMed 12734318; PubMed 12952869.